The following is an entry in ClinVar:

ClinVar aggregate classification (germline): Pathogenic/Likely pathogenic. Review status: criteria provided, multiple submitters, no conflicts (2 of 4 stars). 2 submissions from 2 submitters: Pathogenic (1); Likely pathogenic (1). Last evaluated 2023-05-17.

Conditions:
Cerebral cavernous malformation (CCM). Also called: Cavernous Hemangioma of Brain; Cerebral cavernous hemangioma (type); CAVERNOUS ANGIOMA, FAMILIAL; CAVERNOUS ANGIOMATOUS MALFORMATIONS; CEREBRAL CAPILLARY MALFORMATIONS; Cerebral cavernous malformations. Identifiers: Orphanet 221061, MedGen C2919945, MONDO:0000820, OMIM 116860, HP:0033522.
KRIT1-related disorder. Also called: KRIT1-related condition; KRIT1-related disorders.

Submissions (2):

Blueprint Genetics
Classification: Likely pathogenic for KRIT1-related disorders. Last evaluated: 2023-05-17. Review status: criteria provided, single submitter. Criteria: ACMG Guidelines, 2015. Collection method: clinical testing. Allele origin: germline. Affected: yes. Observed: 2 variant alleles.

Center for Genomics, Ann and Robert H. Lurie Children's Hospital of Chicago
Classification: Pathogenic for Cerebral cavernous malformation. Review status: criteria provided, single submitter. Criteria: ACMG Guidelines, 2015. Collection method: clinical testing. Allele origin: germline.
Comment: This variant has not been reported in the literature and is not present in large control databases. Evolutionary conservation and computational predictive tools for this variant are limited or unavailable. This variant creates a premature stop at this codon which results in an absent or abnormal protein. Loss of function variants are a known mechanism of disease for this gene (Cianfruglia, 2019 PMID:30658464). In summary, this variant is classified as pathogenic based on the data above.

NM_194454.3(KRIT1):c.646A>T (p.Lys216Ter)

Gene: KRIT1 (KRIT1 ankyrin repeat containing; minus strand). Cytogenetic location: 7q21.2.
Variant type: single nucleotide variant.
Coding change: c.646A>T on transcript NM_194454.3 (MANE Select); coding-DNA position 646, A replaced by T.
Protein change: p.Lys216Ter; replaces lysine 216 with a stop codon.
Molecular consequence: nonsense. On other transcripts: intron variant (1).
Genome position (GRCh38, 1-based): chr7:92,235,486, T>A on the plus strand (A>T on the coding strand, the complement: KRIT1 is on the minus strand). VCF-style: chr7-92235486-T-A. GRCh37 (hg19) VCF-style: chr7-91864800-T-A.
Other names: c.646A>T, p.Lys216Ter (NM_001013406.2, NM_001350669.1, NM_001350670.1 and 29 more transcripts); c.15+48A>T (NM_001350671.1); short protein forms K216*.
Identifiers: ClinVar variation 2500051 (VCV002500051.3), dbSNP rs1563305909, ClinGen allele CA368160184.